The following is an entry in ClinVar:

NM_015164.4(PLEKHM2):c.2489G>A (p.Arg830Gln)

Gene: PLEKHM2 (pleckstrin homology and RUN domain containing M2; plus strand). Cytogenetic location: 1p36.21.
Variant type: single nucleotide variant.
Coding change: c.2489G>A on transcript NM_015164.4 (MANE Select); coding-DNA position 2489, G replaced by A.
Protein change: p.Arg830Gln; replaces arginine 830 with glutamine.
Molecular consequence: missense variant.
Genome position (GRCh38, 1-based): chr1:15,731,912, G>A. VCF-style: chr1-15731912-G-A. GRCh37 (hg19) VCF-style: chr1-16058407-G-A.
Other names: c.2429G>A, p.Arg810Gln (NM_001410755.1); short protein forms R810Q, R830Q.
Identifiers: ClinVar variation 2533568 (VCV002533568.5), dbSNP rs749342204, ClinGen allele CA617278.

ClinVar aggregate classification (germline): Uncertain significance. Review status: criteria provided, multiple submitters, no conflicts (2 of 4 stars). 2 submissions from 2 submitters: Uncertain significance (2). Last evaluated 2023-04-05.

Allele frequency attached by ClinVar (database versions not stated): ExAC 0.00001; gnomAD 0.00001; gnomAD exomes 0.00001; TOPMed 0.00001.
gnomAD v4.1: 13 of 1,610,972 alleles (0.00081%); highest among the groups gnomAD compares: East Asian, 0.0045%; no homozygotes.

Submissions (2):

Ambry Genetics
Classification: Uncertain significance. Last evaluated: 2023-04-05. Review status: criteria provided, single submitter. Criteria: Ambry Variant Classification Scheme 2023. Collection method: clinical testing. Allele origin: germline.

Labcorp Genetics (formerly Invitae), Labcorp
Classification: Uncertain significance. Last evaluated: 2023-02-18. Review status: criteria provided, single submitter. Criteria: Invitae Variant Classification Sherloc (09022015). Collection method: clinical testing. Allele origin: germline.
Comment: In summary, the available evidence is currently insufficient to determine the role of this variant in disease. Therefore, it has been classified as a Variant of Uncertain Significance. An algorithm developed to predict the effect of missense changes on protein structure and function (PolyPhen-2) suggests that this variant is likely to be disruptive. This variant has not been reported in the literature in individuals affected with PLEKHM2-related conditions. The frequency data for this variant in the population databases is considered unreliable, as metrics indicate poor data quality at this position in the gnomAD database. This sequence change replaces arginine, which is basic and polar, with glutamine, which is neutral and polar, at codon 830 of the PLEKHM2 protein (p.Arg830Gln).